The following is an entry in ClinVar:

ClinVar aggregate classification (germline): Uncertain significance (1 of 4 stars; one submission).

gnomAD v4.1: 5 of 1,614,146 alleles (0.00031%); highest among the groups gnomAD compares: Non-Finnish European, 0.00042%; no homozygotes.

Submission:

GeneDx
Classification: Uncertain significance. Last evaluated: 2019-03-21. Review status: criteria provided, single submitter. Criteria: GeneDx Variant Classification Process June 2021. Collection method: clinical testing. Allele origin: germline. Affected: yes.
Comment: Not observed in large population cohorts (Lek et al., 2016); In silico analysis, which includes protein predictors and evolutionary conservation, supports that this variant does not alter protein structure/function; Has not been previously published as pathogenic or benign to our knowledge

NM_001378120.1(MBD5):c.4573G>T (p.Gly1525Trp)

Gene: MBD5 (methyl-CpG binding domain protein 5; plus strand). Cytogenetic location: 2q23.1.
Variant type: single nucleotide variant.
Coding change: c.4573G>T on transcript NM_001378120.1 (MANE Select); coding-DNA position 4573, G replaced by T.
Protein change: p.Gly1525Trp; replaces glycine 1525 with tryptophan.
Molecular consequence: missense variant.
Genome position (GRCh38, 1-based): chr2:148,490,205, G>T. VCF-style: chr2-148490205-G-T. GRCh37 (hg19) VCF-style: chr2-149247774-G-T.
Other names: c.3874G>T, p.Gly1292Trp (NM_018328.5); short protein forms G1292W, G1525W.
Identifiers: ClinVar variation 1308305 (VCV001308305.2), dbSNP rs1258885082, ClinGen allele CA348729569.